The following is an entry in ClinVar:

ClinVar aggregate classification (germline): Uncertain significance. Review status: criteria provided, multiple submitters, no conflicts (2 of 4 stars). 3 submissions from 3 submitters: Uncertain significance (3). Last evaluated 2024-07-24.

Conditions:
Inborn genetic diseases. Identifiers: MedGen C0950123, MeSH D030342.
Stüve-Wiedemann syndrome 1. Also called: STUVE-WIEDEMANN/SCHWARTZ-JAMPEL TYPE 2 SYNDROME. Identifiers: Orphanet 3206, MedGen C5676888, MONDO:0800043, OMIM 601559.

Allele frequency attached by ClinVar (database versions not stated): gnomAD 0.00001; gnomAD exomes 0.00001; TOPMed 0.00004.
gnomAD v4.1: 15 of 1,612,302 alleles (0.00093%); highest among the groups gnomAD compares: African/African-American, 0.015%; no homozygotes.

Submissions (3):

Labcorp Genetics (formerly Invitae), Labcorp
Classification: Uncertain significance. Last evaluated: 2024-07-24. Review status: criteria provided, single submitter. Criteria: Invitae Variant Classification Sherloc (09022015). Collection method: clinical testing. Allele origin: germline.
Comment: This sequence change replaces methionine, which is neutral and non-polar, with isoleucine, which is neutral and non-polar, at codon 20 of the LIFR protein (p.Met20Ile). This variant is present in population databases (rs111432615, gnomAD 0.008%). This variant has not been reported in the literature in individuals affected with LIFR-related conditions. ClinVar contains an entry for this variant (Variation ID: 2297002). An algorithm developed to predict the effect of missense changes on protein structure and function (PolyPhen-2) suggests that this variant is likely to be tolerated. In summary, the available evidence is currently insufficient to determine the role of this variant in disease. Therefore, it has been classified as a Variant of Uncertain Significance.

Fulgent Genetics
Classification: Uncertain significance for Stüve-Wiedemann syndrome 1. Last evaluated: 2024-02-07. Review status: criteria provided, single submitter. Criteria: ACMG Guidelines, 2015. Collection method: clinical testing. Allele origin: germline.

Ambry Genetics
Classification: Uncertain significance for Inborn genetic diseases. Last evaluated: 2022-06-24. Review status: criteria provided, single submitter. Criteria: Ambry Variant Classification Scheme 2023. Collection method: clinical testing. Allele origin: germline.

NM_001127671.2(LIFR):c.60G>C (p.Met20Ile)

Gene: LIFR (LIF receptor subunit alpha; minus strand). Cytogenetic location: 5p13.1.
Variant type: single nucleotide variant.
Coding change: c.60G>C on transcript NM_001127671.2 (MANE Select); coding-DNA position 60, G replaced by C.
Protein change: p.Met20Ile; replaces methionine 20 with isoleucine.
Molecular consequence: missense variant.
Genome position (GRCh38, 1-based): chr5:38,530,588, C>G on the plus strand (G>C on the coding strand, the complement: LIFR is on the minus strand). VCF-style: chr5-38530588-C-G. GRCh37 (hg19) VCF-style: chr5-38530690-C-G.
Other names: c.60G>C, p.Met20Ile (NM_001364297.2, NM_001364298.2, NM_002310.6); short protein forms M20I.
Identifiers: ClinVar variation 2297002 (VCV002297002.5), dbSNP rs111432615, ClinGen allele CA117545515.
Genomic context (GRCh38, chr5:38,530,588, plus strand): 5'-ATTCATTAGATATAGAAGAATAAATGTTGATAACAGCCACTGGAAATTTGAAGCAGTCCT[C>G]ATTCTTTTATTGTCCACCATCCAGGATGGTCGTTTCAAACATACGTAAATATCCATCATC-3'
Protein context (NP_001121143.1, residues 10-30): RPSWMVDNKR[Met20Ile]RTASNFQWLL